The following is an entry in ClinVar:

ClinVar aggregate classification (germline): Uncertain significance (1 of 4 stars; one submission).

Conditions:
Perlman syndrome (PRLMNS). Identifiers: Orphanet 2849, MedGen C0796113, MONDO:0009965, OMIM 267000.

Submission:

Labcorp Genetics (formerly Invitae), Labcorp
Classification: Uncertain significance for Perlman syndrome. Last evaluated: 2020-11-15. Review status: criteria provided, single submitter. Criteria: Invitae Variant Classification Sherloc (09022015). Collection method: clinical testing. Allele origin: germline.
Comment: In summary, the available evidence is currently insufficient to determine the role of this variant in disease. Therefore, it has been classified as a Variant of Uncertain Significance. This variant, c.930_932delGGA, results in the deletion of 1 amino acid of the DIS3L2 protein (p.Glu310del), but otherwise preserves the integrity of the reading frame. This variant is not present in population databases (ExAC no frequency). This variant has not been reported in the literature in individuals with DIS3L2-related disease. Experimental studies and prediction algorithms are not available for this variant, and the functional significance of the affected amino acid(s) is currently unknown.

NM_152383.5(DIS3L2):c.927GGA[1] (p.Glu310del)

Gene: DIS3L2 (DIS3 like 3'-5' exoribonuclease 2; plus strand). Cytogenetic location: 2q37.1.
Variant type: Microsatellite.
Coding change: c.927GGA[1] on transcript NM_152383.5 (MANE Select); one copy of the 3-base unit GGA starting at c.927; the reference has two copies in a row; one copy, 3 bases deleted.
Protein change: p.Glu310del; deletes glutamic acid 310.
Molecular consequence: inframe deletion. On other transcripts: non-coding transcript variant (1).
Genome position (GRCh38, 1-based): chr2:232,136,699-232,136,701, GGA deleted; deleting any 3 consecutive bases within chr2:232,136,695-232,136,701 gives the same sequence; the position shown is the placement nearest the transcript's 3' end. VCF-style (leftmost placement, unchanged base first): chr2-232136694-AAGG-A. GRCh37 (hg19) VCF-style: chr2-233001404-AAGG-A.
Other names: c.930_932delGGA (NM_152383.4); c.927GGA[1], p.Glu310del (NM_001257281.2); short protein forms E310del.
Identifiers: ClinVar variation 640047 (VCV000640047.10), dbSNP rs1574902623, ClinGen allele CA915941777.